The following is an entry in ClinVar:

NM_201525.4(ADGRG1):c.487+3A>G

Gene: ADGRG1 (adhesion G protein-coupled receptor G1; plus strand). Cytogenetic location: 16q21.
Variant type: single nucleotide variant.
Coding change: c.487+3A>G on transcript NM_201525.4 (MANE Select); 3 bases into the intron after coding-DNA position 487, A replaced by G.
Molecular consequence: intron variant.
Genome position (GRCh38, 1-based): chr16:57,651,625, A>G. VCF-style: chr16-57651625-A-G. GRCh37 (hg19) VCF-style: chr16-57685537-A-G.
Other names: c.487+3A>G (NM_001370440.1, NM_001370428.1, NM_001370436.1 and 16 more transcripts); c.110+380A>G (NM_001290142.2); c.-39+3A>G (NM_001370451.1, NM_001290143.2, NM_001370453.1 and 2 more transcripts); c.331+3A>G (NM_001370442.1); c.502+3A>G (NM_001370433.1, NM_001145773.3).
Identifiers: ClinVar variation 1903238 (VCV001903238.2), dbSNP rs2545116613, ClinGen allele CA2580091710.

ClinVar aggregate classification (germline): Uncertain significance (1 of 4 stars; one submission).

Allele frequency attached by ClinVar (database versions not stated): gnomAD exomes below 0.00001.
gnomAD v4.1: 2 of 1,613,336 alleles (0.00012%); highest among the groups gnomAD compares: Non-Finnish European, 0.00017%; no homozygotes.

Submission:

Labcorp Genetics (formerly Invitae), Labcorp
Classification: Uncertain significance. Last evaluated: 2022-07-23. Review status: criteria provided, single submitter. Criteria: Invitae Variant Classification Sherloc (09022015). Collection method: clinical testing. Allele origin: germline.
Comment: This sequence change falls in intron 4 of the ADGRG1 gene. It does not directly change the encoded amino acid sequence of the ADGRG1 protein. It affects a nucleotide within the consensus splice site. This variant is not present in population databases (gnomAD no frequency). This variant has not been reported in the literature in individuals affected with ADGRG1-related conditions. Variants that disrupt the consensus splice site are a relatively common cause of aberrant splicing (PMID: 17576681, 9536098). Algorithms developed to predict the effect of sequence changes on RNA splicing suggest that this variant is not likely to affect RNA splicing. In summary, the available evidence is currently insufficient to determine the role of this variant in disease. Therefore, it has been classified as a Variant of Uncertain Significance.

Literature cited by the submitters: PubMed 17576681; PubMed 9536098.